The following is an entry in ClinVar:

ClinVar aggregate classification (germline): Uncertain significance (1 of 4 stars; one submission).

Conditions:
Combined immunodeficiency due to MALT1 deficiency. Also called: Immunodeficiency 12. Identifiers: Orphanet 397964, MedGen C3809583, MONDO:0014197, OMIM 615468.

Allele frequency attached by ClinVar (database versions not stated): gnomAD exomes below 0.00001.

Submission:

Labcorp Genetics (formerly Invitae), Labcorp
Classification: Uncertain significance for Combined immunodeficiency due to MALT1 deficiency. Last evaluated: 2019-06-04. Review status: criteria provided, single submitter. Criteria: Invitae Variant Classification Sherloc (09022015). Collection method: clinical testing. Allele origin: germline.
Comment: This variant has not been reported in the literature in individuals with MALT1-related conditions. This variant is not present in population databases (ExAC no frequency). This sequence change replaces histidine with tyrosine at codon 584 of the MALT1 protein (p.His584Tyr). The histidine residue is highly conserved and there is a moderate physicochemical difference between histidine and tyrosine. Algorithms developed to predict the effect of missense changes on protein structure and function are either unavailable or do not agree on the potential impact of this missense change (SIFT: "Deleterious"; PolyPhen-2: "Benign"; Align-GVGD: "Class C65"). In summary, the available evidence is currently insufficient to determine the role of this variant in disease. Therefore, it has been classified as a Variant of Uncertain Significance.

NM_006785.4(MALT1):c.1750C>T (p.His584Tyr)

Gene: MALT1 (MALT1 paracaspase; plus strand). Cytogenetic location: 18q21.32.
Variant type: single nucleotide variant.
Coding change: c.1750C>T on transcript NM_006785.4 (MANE Select); coding-DNA position 1750, C replaced by T.
Protein change: p.His584Tyr; replaces histidine 584 with tyrosine.
Molecular consequence: missense variant.
Genome position (GRCh38, 1-based): chr18:58,742,011, C>T. VCF-style: chr18-58742011-C-T. GRCh37 (hg19) VCF-style: chr18-56409243-C-T.
Other names: c.1717C>T, p.His573Tyr (NM_173844.3); short protein forms H584Y, H573Y.
Identifiers: ClinVar variation 934243 (VCV000934243.8), dbSNP rs1048929396, ClinGen allele CA402575689.
Genomic context (GRCh38, chr18:58,742,011, plus strand): 5'-ATACAGGGAACAGAATATTCTGCTGAATCTCTTGTGCGGAATCTACAGTGGGCCAAGGCT[C>T]ATGGTACGGTAAAGCCCATTTTTTGTTAGATCTACAATATACTTAACGTTAAATCATAAA-3'
Protein context (NP_006776.1, residues 574-594): LVRNLQWAKA[His584Tyr]ELPESMCLKF